The following is an entry in ClinVar:

ClinVar aggregate classification (germline): Likely benign (1 of 4 stars; one submission).

Conditions:
UNC13A-related disorder. Also called: UNC13A-related condition.

Submission:

PreventionGenetics, part of Exact Sciences
Classification: Likely benign for UNC13A-related condition. Last evaluated: 2025-02-13. Review status: criteria provided, single submitter. Criteria: ACMG Guidelines, 2015. Collection method: clinical testing. Allele origin: germline.
Comment: This variant is classified as likely benign based on ACMG/AMP sequence variant interpretation guidelines (Richards et al. 2015 PMID: 25741868, with internal and published modifications).

NM_001080421.3(UNC13A):c.5010A>C (p.Arg1670=)

Gene: UNC13A (unc-13 homolog A; minus strand). Cytogenetic location: 19p13.11.
Variant type: single nucleotide variant.
Coding change: c.5010A>C on transcript NM_001080421.3 (MANE Select); coding-DNA position 5010, A replaced by C.
Protein change: p.Arg1670=; no amino-acid change (arginine 1670 retained).
Molecular consequence: synonymous variant.
Genome position (GRCh38, 1-based): chr19:17,606,156, T>G on the plus strand (A>C on the coding strand, the complement: UNC13A is on the minus strand). VCF-style: chr19-17606156-T-G. GRCh37 (hg19) VCF-style: chr19-17716965-T-G.
Other names: c.4998A>C, p.Arg1666= (NM_001387021.1); c.4995A>C, p.Arg1665= (NM_001387022.1); c.4929A>C, p.Arg1643= (NM_001387023.1).
Identifiers: ClinVar variation 4978602 (VCV004978602.1).